The following is an entry in ClinVar:

ClinVar aggregate classification (germline): Conflicting classifications of pathogenicity. Review status: criteria provided, conflicting classifications (1 of 4 stars). 6 submissions from 5 submitters: Uncertain significance (1); Benign (1); Likely benign (3). 1 of the submissions does not count toward it. Last evaluated 2026-01-24.

Conditions:
Distal arthrogryposis type 2B1 (DA2B1). Also called: Arthrogryposis multiplex congenita distal type II with craniofacial abnormalities. Identifiers: Orphanet 1147, MedGen C5193014, MONDO:0020820, OMIM 601680.
Freeman-Sheldon syndrome (DA2A). Also called: CRANIOCARPOTARSAL DYSPLASIA; CRANIOCARPOTARSAL DYSTROPHY; WHISTLING FACE-WINDMILL VANE HAND SYNDROME; Arthrogryposis, distal, type 2A (Freeman-Sheldon). Identifiers: Orphanet 2053, MedGen C0265224, MONDO:0008675, OMIM 193700.
MYH3-related disorder. Also called: MYH3-Related Disorders; MYH3-related condition. Identifiers: MedGen CN239329.

Allele frequency attached by ClinVar (database versions not stated): gnomAD exomes 0.00026 and 0.00058; ExAC 0.00081; gnomAD 0.00211 and 0.00227; TOPMed 0.00257; 1000 Genomes Project 0.00300; ESP Exome Variant Server 0.00315; 1000 Genomes Project 30x 0.00344.
gnomAD v4.1: 719 of 1,614,164 alleles (0.045%); highest among the groups gnomAD compares: African/African-American, 0.81%; 6 homozygotes.

Submissions (6):

Labcorp Genetics (formerly Invitae), Labcorp
Classification: Likely benign. Last evaluated: 2026-01-24. Review status: criteria provided, single submitter. Criteria: Invitae Variant Classification Sherloc (09022015). Collection method: clinical testing. Allele origin: germline.

GeneDx
Classification: Uncertain significance. Last evaluated: 2021-12-28. Review status: criteria provided, single submitter. Criteria: GeneDx Variant Classification Process June 2021. Collection method: clinical testing. Allele origin: germline. Affected: yes.
Comment: In silico analysis supports that this missense variant has a deleterious effect on protein structure/function; Has not been previously published as pathogenic or benign to our knowledge

Illumina Laboratory Services, Illumina
Classification: Likely benign for Distal arthrogryposis type 2B1. Last evaluated: 2018-01-13. Review status: criteria provided, single submitter. Criteria: ICSL Variant Classification Criteria 13 December 2019. Collection method: clinical testing. Allele origin: germline.
Comment: This variant was observed in the ICSL laboratory as part of a predisposition screen in an ostensibly healthy population. It had not been previously curated by ICSL or reported in the Human Gene Mutation Database (HGMD: prior to June 1st, 2018), and was therefore a candidate for classification through an automated scoring system. Utilizing variant allele frequency, disease prevalence and penetrance estimates, and inheritance mode, an automated score was calculated to assess if this variant is too frequent to cause the disease. Based on the score and internal cut-off values, a variant classified as likely benign is not then subjected to further curation. The score for this variant resulted in a classification of likely benign for this disease.

Illumina Laboratory Services, Illumina
Classification: Benign for Freeman-Sheldon syndrome. Last evaluated: 2018-01-13. Review status: criteria provided, single submitter. Criteria: ICSL Variant Classification Criteria 13 December 2019. Collection method: clinical testing. Allele origin: germline.
Comment: This variant was observed in the ICSL laboratory as part of a predisposition screen in an ostensibly healthy population. It had not been previously curated by ICSL or reported in the Human Gene Mutation Database (HGMD: prior to June 1st, 2018), and was therefore a candidate for classification through an automated scoring system. Utilizing variant allele frequency, disease prevalence and penetrance estimates, and inheritance mode, an automated score was calculated to assess if this variant is too frequent to cause the disease. Based on the score and internal cut-off values, a variant classified as benign is not then subjected to further curation. The score for this variant resulted in a classification of benign for this disease.

Breakthrough Genomics
Classification: Likely benign. Review status: criteria provided, single submitter. Criteria: ACMG Guidelines, 2015. Collection method: not provided. Allele origin: germline. Inheritance: Autosomal recessive inheritance. Affected: yes.

PreventionGenetics, part of Exact Sciences
Classification: Benign for MYH3-related condition. Last evaluated: 2019-09-25. Review status: no assertion criteria provided. Collection method: clinical testing. Allele origin: germline. Not counted in ClinVar's aggregate classification.
Comment: This variant is classified as benign based on ACMG/AMP sequence variant interpretation guidelines (Richards et al. 2015 PMID: 25741868, with internal and published modifications).

NM_002470.4(MYH3):c.1411T>C (p.Tyr471His)

Gene: MYH3 (myosin heavy chain 3; minus strand). Cytogenetic location: 17p13.1.
Variant type: single nucleotide variant.
Coding change: c.1411T>C on transcript NM_002470.4 (MANE Select); coding-DNA position 1411, T replaced by C.
Protein change: p.Tyr471His; replaces tyrosine 471 with histidine.
Molecular consequence: missense variant.
Genome position (GRCh38, 1-based): chr17:10,642,996, A>G on the plus strand (T>C on the coding strand, the complement: MYH3 is on the minus strand). VCF-style: chr17-10642996-A-G. GRCh37 (hg19) VCF-style: chr17-10546313-A-G.
Other names: short protein forms Y471H.
Identifiers: ClinVar variation 321760 (VCV000321760.16), dbSNP rs115742228, ClinGen allele CA8393005.